The following is an entry in ClinVar:

ClinVar aggregate classification (germline): Uncertain significance. Review status: criteria provided, single submitter (1 of 4 stars). 2 submissions from 2 submitters: Uncertain significance (1). 1 of the submissions does not count toward it. Last evaluated 2025-02-18.

Conditions:
PKD1-related disorder. Also called: PKD1-related condition.

Allele frequency attached by ClinVar (database versions not stated): gnomAD 0.00001; gnomAD exomes 0.00001; ExAC 0.00001; TOPMed 0.00002.
gnomAD v4.1: 10 of 1,610,558 alleles (0.00062%); highest among the groups gnomAD compares: Non-Finnish European, 0.00085%; no homozygotes.

Submissions (2):

GeneDx
Classification: Uncertain significance. Last evaluated: 2025-02-18. Review status: criteria provided, single submitter. Criteria: GeneDx Variant Classification Process June 2021. Collection method: clinical testing. Allele origin: germline.
Comment: Not observed at significant frequency in large population cohorts (gnomAD); In silico analysis supports that this missense variant has a deleterious effect on protein structure/function; Has not been previously published as pathogenic or benign to our knowledge

PreventionGenetics, part of Exact Sciences
Classification: Uncertain significance for PKD1-related condition. Last evaluated: 2024-03-15. Review status: no assertion criteria provided. Collection method: clinical testing. Allele origin: germline. Not counted in ClinVar's aggregate classification.
Comment: The PKD1 c.9571C>T variant is predicted to result in the amino acid substitution p.Leu3191Phe. To our knowledge, this variant has not been reported in the literature. This variant is reported in 0.00090% of alleles in individuals of European (Non-Finnish) descent in gnomAD. At this time, the clinical significance of this variant is uncertain due to the absence of conclusive functional and genetic evidence.

NM_001009944.3(PKD1):c.9571C>T (p.Leu3191Phe)

Gene: PKD1 (polycystin 1, transient receptor potential channel interacting; minus strand). Cytogenetic location: 16p13.3.
Variant type: single nucleotide variant.
Coding change: c.9571C>T on transcript NM_001009944.3 (MANE Select); coding-DNA position 9571, C replaced by T.
Protein change: p.Leu3191Phe; replaces leucine 3191 with phenylalanine.
Molecular consequence: missense variant.
Genome position (GRCh38, 1-based): chr16:2,100,307, G>A on the plus strand (C>T on the coding strand, the complement: PKD1 is on the minus strand). VCF-style: chr16-2100307-G-A. GRCh37 (hg19) VCF-style: chr16-2150308-G-A.
Other names: c.9571C>T, p.Leu3191Phe (NM_000296.4); short protein forms L3191F.
Identifiers: ClinVar variation 2430858 (VCV002430858.3), dbSNP rs760095634, ClinGen allele CA7830004.